The following is an entry in ClinVar:

ClinVar aggregate classification (germline): Pathogenic. Review status: criteria provided, multiple submitters, no conflicts (2 of 4 stars). 8 submissions from 8 submitters: Pathogenic (6). 2 of the submissions do not count toward it. Last evaluated 2024-10-15.

Conditions:
Colorectal cancer. Also called: Colorectal cancer, somatic; Malignant Colorectal Neoplasm. Identifiers: MedGen C0346629, MONDO:0005575, OMIM 114500.
Hepatocellular carcinoma (HCC). Also called: Primary carcinoma of liver; HEPATOMA; LIVER CELL CARCINOMA. Identifiers: Orphanet 88673, MedGen C2239176, MONDO:0007256, OMIM 114550, HP:0001402.
Pilomatrixoma (PTR). Also called: PILOMATRICOMA; Pilomatricoma, somatic; EPITHELIOMA CALCIFICANS OF MALHERBE. Identifiers: Orphanet 91414, MedGen C0206711, MeSH D018296, MONDO:0007564, OMIM 132600, HP:0030434.
Exudative vitreoretinopathy 7. Identifiers: MedGen C4539767, MONDO:0033123, OMIM 617572.
Ovarian neoplasm. Also called: Ovarian tumor; Neoplasm of ovary; Ovarian Neoplasms. Identifiers: MedGen C0919267, MeSH D010051, MONDO:0021068, HP:0100615.
Medulloblastoma (MDB). Also called: MEDULLOBLASTOMA PREDISPOSITION SYNDROME; Medulloblastoma, somatic. Identifiers: Orphanet 616, MedGen C0025149, MeSH D008527, MONDO:0007959, OMIM 155255, HP:0002885.
Severe intellectual disability-progressive spastic diplegia syndrome (NEDSDV). Also called: NEURODEVELOPMENTAL DISORDER WITH SPASTIC DIPLEGIA AND VISUAL DEFECTS; CTNNB1 Neurodevelopmental Disorder. Identifiers: Orphanet 404473, MedGen C3554449, MONDO:0014035, OMIM 615075.

Submissions (8):

Labcorp Genetics (formerly Invitae), Labcorp
Classification: Pathogenic. Last evaluated: 2024-10-15. Review status: criteria provided, single submitter. Criteria: Invitae Variant Classification Sherloc (09022015). Collection method: clinical testing. Allele origin: germline.
Comment: This sequence change creates a premature translational stop signal (p.Arg515*) in the CTNNB1 gene. It is expected to result in an absent or disrupted protein product. Loss-of-function variants in CTNNB1 are known to be pathogenic (PMID: 23033978, 24614104, 25326669, 26350204, 28575650). This variant is not present in population databases (gnomAD no frequency). This premature translational stop signal has been observed in individual(s) with intellectual disability syndrome (PMID: 23033978, 31526516). ClinVar contains an entry for this variant (Variation ID: 39655). For these reasons, this variant has been classified as Pathogenic.

GeneDx
Classification: Pathogenic. Last evaluated: 2023-06-26. Review status: criteria provided, single submitter. Criteria: GeneDx Variant Classification Process June 2021. Collection method: clinical testing. Allele origin: germline. Affected: yes.
Comment: Nonsense variant predicted to result in protein truncation or nonsense mediated decay in a gene for which loss-of-function is a known mechanism of disease; Not observed at significant frequency in large population cohorts (gnomAD); This variant is associated with the following publications: (PMID: 25326669, 31526516, 35719373, 35935366, 35599849, 23033978)

Fulgent Genetics
Classification: Pathogenic for Colorectal cancer; Hepatocellular carcinoma; Pilomatrixoma; Medulloblastoma; Ovarian cancer; Severe intellectual disability-progressive spastic diplegia syndrome; Exudative vitreoretinopathy 7. Last evaluated: 2021-10-17. Review status: criteria provided, single submitter. Criteria: ACMG Guidelines, 2015. Collection method: clinical testing. Allele origin: unknown.

3billion
Classification: Pathogenic for Severe intellectual disability-progressive spastic diplegia syndrome. Last evaluated: 2021-10-02. Review status: criteria provided, single submitter. Criteria: ACMG Guidelines, 2015. Collection method: clinical testing. Allele origin: germline. Affected: yes. Observed: 1 heterozygote.
Comment: Stop-gained (nonsense): predicted to result in a loss or disruption of normal protein function through nonsense-mediated decay (NMD) or protein truncation. Multiple pathogenic variants are reported downstream of the variant (PVS1_VS). The variant was observed as assumed (i.e. paternity and maternity not confirmed) de novoo (3billion dataset, PM6). It is not observed in the gnomAD v2.1.1 dataset (PM2). The variant has been reported as de novoo in similary affected individuals (PMID:23033978, 25326669). Therefore, this variant is classified as pathogenic according to the recommendation of ACMG/AMP guideline.

Institute of Human Genetics Munich, TUM University Hospital
Classification: Pathogenic for Severe intellectual disability-progressive spastic diplegia syndrome. Last evaluated: 2021-02-02. Review status: criteria provided, single submitter. Criteria: Classification criteria August 2017. Collection method: clinical testing. Allele origin: de novo. Inheritance: Autosomal dominant inheritance. Affected: yes. Observed: 1 variant allele.

CeGaT Center for Human Genetics Tuebingen
Classification: Pathogenic. Last evaluated: 2018-11-01. Review status: criteria provided, single submitter. Criteria: CeGaT Center For Human Genetics Tuebingen Variant Classification Criteria Version 2. Collection method: clinical testing. Allele origin: germline. Affected: yes. Observed: 1 variant allele.

Molecular Genetics Laboratory, BC Children's and BC Women's Hospitals
Classification: Pathogenic for Severe intellectual disability-progressive spastic diplegia syndrome. Last evaluated: 2017-09-21. Review status: no assertion criteria provided. Criteria: ACMG Guidelines, 2015. Collection method: clinical testing. Allele origin: de novo. Affected: yes. Not counted in ClinVar's aggregate classification.

OMIM
Classification: Pathogenic for NEURODEVELOPMENTAL DISORDER WITH SPASTIC DIPLEGIA AND VISUAL DEFECTS. Last evaluated: 2012-11-15. Review status: no assertion criteria provided. Collection method: literature only. Allele origin: germline. Not counted in ClinVar's aggregate classification.

Literature cited by the submitters: PubMed 23033978 (cited by 3 submitters); PubMed 24614104 (cited by Labcorp Genetics (formerly Invitae), Labcorp); PubMed 25326669 (cited by Labcorp Genetics (formerly Invitae), Labcorp and 3billion); PubMed 26350204 (cited by Labcorp Genetics (formerly Invitae), Labcorp); PubMed 28575650 (cited by Labcorp Genetics (formerly Invitae), Labcorp); PubMed 31526516 (cited by Labcorp Genetics (formerly Invitae), Labcorp).

NM_001904.4(CTNNB1):c.1543C>T (p.Arg515Ter)

Genes: CTNNB1 (catenin beta 1; plus strand), LOC126806659 (BRD4-independent group 4 enhancer GRCh37_chr3:41274918-41276117; plus strand). Cytogenetic location: 3p22.1.
Variant type: single nucleotide variant.
Coding change: c.1543C>T on transcript NM_001904.4 (MANE Select); coding-DNA position 1543, C replaced by T.
Protein change: p.Arg515Ter; replaces arginine 515 with a stop codon.
Molecular consequence: nonsense.
Genome position (GRCh38, 1-based): chr3:41,234,157, C>T. VCF-style: chr3-41234157-C-T. GRCh37 (hg19) VCF-style: chr3-41275648-C-T.
Other names: c.1543C>T, p.Arg515Ter (NM_001098209.2, NM_001098210.2); c.1522C>T, p.Arg508Ter (NM_001330729.2); short protein forms R515*, R508*.
Identifiers: ClinVar variation 39655 (VCV000039655.52), dbSNP rs397514554, ClinGen allele CA130428.